The following is an entry in ClinVar:

NM_000368.5(TSC1):c.1058G>C (p.Cys353Ser)

Gene: TSC1 (TSC complex subunit 1; minus strand). Cytogenetic location: 9q34.13.
Variant type: single nucleotide variant.
Coding change: c.1058G>C on transcript NM_000368.5 (MANE Select); coding-DNA position 1058, G replaced by C.
Protein change: p.Cys353Ser; replaces cysteine 353 with serine.
Molecular consequence: missense variant.
Genome position (GRCh38, 1-based): chr9:132,911,085, C>G on the plus strand (G>C on the coding strand, the complement: TSC1 is on the minus strand). VCF-style: chr9-132911085-C-G. GRCh37 (hg19) VCF-style: chr9-135786472-C-G.
Other names: c.1058G>C, p.Cys353Ser (NM_001162426.2); c.905G>C, p.Cys302Ser (NM_001162427.2); c.695G>C, p.Cys232Ser (NM_001362177.2); short protein forms C232S, C302S, C353S.
Identifiers: ClinVar variation 1062620 (VCV001062620.9), dbSNP rs876660024, ClinGen allele CA375367765.

ClinVar aggregate classification (germline): Uncertain significance (1 of 4 stars; one submission).

Conditions:
Tuberous sclerosis 1 (TSC1). Identifiers: Orphanet 805, MedGen C1854465, MONDO:0008612, OMIM 191100.

Submission:

Labcorp Genetics (formerly Invitae), Labcorp
Classification: Uncertain significance for Tuberous sclerosis 1. Last evaluated: 2020-06-02. Review status: criteria provided, single submitter. Criteria: Invitae Variant Classification Sherloc (09022015). Collection method: clinical testing. Allele origin: germline.
Comment: This variant has not been reported in the literature in individuals with TSC1-related conditions. This variant is not present in population databases (ExAC no frequency). Algorithms developed to predict the effect of missense changes on protein structure and function are either unavailable or do not agree on the potential impact of this missense change (SIFT: "Deleterious"; PolyPhen-2: "Probably Damaging"; Align-GVGD: "Class C0"). In summary, the available evidence is currently insufficient to determine the role of this variant in disease. Therefore, it has been classified as a Variant of Uncertain Significance. This sequence change replaces cysteine with serine at codon 353 of the TSC1 protein (p.Cys353Ser). The cysteine residue is highly conserved and there is a moderate physicochemical difference between cysteine and serine.